The following is an entry in ClinVar:

NM_000138.5(FBN1):c.2286C>G (p.Asn762Lys)

Gene: FBN1 (fibrillin 1; minus strand). Cytogenetic location: 15q21.1.
Variant type: single nucleotide variant.
Coding change: c.2286C>G on transcript NM_000138.5 (MANE Select); coding-DNA position 2286, C replaced by G.
Protein change: p.Asn762Lys; replaces asparagine 762 with lysine.
Molecular consequence: missense variant.
Genome position (GRCh38, 1-based): chr15:48,497,273, G>C on the plus strand (C>G on the coding strand, the complement: FBN1 is on the minus strand). VCF-style: chr15-48497273-G-C. GRCh37 (hg19) VCF-style: chr15-48789470-G-C.
Other names: short protein forms N762K.
Identifiers: ClinVar variation 859325 (VCV000859325.9), dbSNP rs2043616066, ClinGen allele CA392335590.

ClinVar aggregate classification (germline): Uncertain significance (1 of 4 stars; one submission).

Conditions:
Familial thoracic aortic aneurysm and aortic dissection (TAAD). Also called: Thoracic aortic aneurysms and dissections. Identifiers: Orphanet 91387, MedGen C4707243, MONDO:0019625.
Marfan syndrome (MFS). Also called: FBN1-Related Marfan Syndrome; Marfan's syndrome; MARFAN SYNDROME, TYPE I; Marfan syndrome type 1; Marfan syndrome, classic. Identifiers: Orphanet 284963, Orphanet 558, MedGen C0024796, MONDO:0007947, OMIM 154700.

Submission:

Labcorp Genetics (formerly Invitae), Labcorp
Classification: Uncertain significance for Marfan syndrome; Familial thoracic aortic aneurysm and aortic dissection. Last evaluated: 2019-03-04. Review status: criteria provided, single submitter. Criteria: Invitae Variant Classification Sherloc (09022015). Collection method: clinical testing. Allele origin: germline.
Comment: Algorithms developed to predict the effect of sequence changes on RNA splicing suggest that this variant may create or strengthen a splice site, but this prediction has not been confirmed by published transcriptional studies. In summary, the available evidence is currently insufficient to determine the role of this variant in disease. Therefore, it has been classified as a Variant of Uncertain Significance. Algorithms developed to predict the effect of missense changes on protein structure and function are either unavailable or do not agree on the potential impact of this missense change (SIFT: "Deleterious"; PolyPhen-2: "Benign"; Align-GVGD: "Class C25"). This variant has not been reported in the literature in individuals with FBN1-related conditions. This variant is not present in population databases (ExAC no frequency). This sequence change replaces asparagine with lysine at codon 762 of the FBN1 protein (p.Asn762Lys). The asparagine residue is moderately conserved and there is a moderate physicochemical difference between asparagine and lysine.